The following is an entry in ClinVar:

NM_001018115.3(FANCD2):c.648T>G (p.Pro216=)

Genes: FANCD2 (FA complementation group D2; plus strand), LOC107303338 (3p25 FANCD2 Alu-mediated recombination region; plus strand). Cytogenetic location: 3p25.3.
Variant type: single nucleotide variant.
Coding change: c.648T>G on transcript NM_001018115.3 (MANE Select); coding-DNA position 648, T replaced by G.
Protein change: p.Pro216=; no amino-acid change (proline 216 retained).
Molecular consequence: synonymous variant.
Genome position (GRCh38, 1-based): chr3:10,039,798, T>G. VCF-style: chr3-10039798-T-G. GRCh37 (hg19) VCF-style: chr3-10081482-T-G.
Other names: c.648T>G, p.Pro216= (NM_001319984.2, NM_001374253.1, NM_001374254.1 and 2 more transcripts).
Identifiers: ClinVar variation 2653508 (VCV002653508.24), dbSNP rs2470740101, ClinGen allele CA432429730.
Genomic context (GRCh38, chr3:10,039,798, plus strand): 5'-CATGCAGCTGATCAGTATTGCTCCAGAGAACCTGCAGCATGACATCATCACCAGCCTACC[T>G]GAGATCCTAGGGGATTCCCAGCACGCTGATGTGGGGAAAGAACTCAGGTGGATAAACCCT-3'
Protein context (NP_001018125.1, residues 206-226): NLQHDIITSL[Pro216=]EILGDSQHAD

ClinVar aggregate classification (germline): Likely benign (1 of 4 stars; one submission).

Submission:

CeGaT Center for Human Genetics Tuebingen
Classification: Likely benign. Last evaluated: 2023-08-01. Review status: criteria provided, single submitter. Criteria: CeGaT Center For Human Genetics Tuebingen Variant Classification Criteria Version 2. Collection method: clinical testing. Allele origin: germline. Affected: yes. Observed: 1 variant allele.
Comment: FANCD2: PM2:Supporting, BP4, BP7